The following is an entry in ClinVar:

ClinVar aggregate classification (germline): Uncertain significance (1 of 4 stars; one submission).

Allele frequency attached by ClinVar (database versions not stated): TOPMed 0.00001; gnomAD exomes 0.00006; 1000 Genomes Project 0.00060; 1000 Genomes Project 30x 0.00062.
gnomAD v4.1: 59 of 1,610,040 alleles (0.0037%); highest among the groups gnomAD compares: South Asian, 0.063%; 1 homozygote.

Submission:

Labcorp Genetics (formerly Invitae), Labcorp
Classification: Uncertain significance. Last evaluated: 2022-06-20. Review status: criteria provided, single submitter. Criteria: Invitae Variant Classification Sherloc (09022015). Collection method: clinical testing. Allele origin: germline.
Comment: This sequence change replaces alanine, which is neutral and non-polar, with serine, which is neutral and polar, at codon 645 of the PCLO protein (p.Ala645Ser). This variant is present in population databases (rs532617646, gnomAD 0.05%). This variant has not been reported in the literature in individuals affected with PCLO-related conditions. Algorithms developed to predict the effect of missense changes on protein structure and function are either unavailable or do not agree on the potential impact of this missense change (SIFT: "Deleterious"; PolyPhen-2: "Not Available"; Align-GVGD: "Class C0"). In summary, the available evidence is currently insufficient to determine the role of this variant in disease. Therefore, it has been classified as a Variant of Uncertain Significance.

NM_033026.6(PCLO):c.1933G>T (p.Ala645Ser)

Gene: PCLO (piccolo presynaptic cytomatrix protein; minus strand). Cytogenetic location: 7q21.11.
Variant type: single nucleotide variant.
Coding change: c.1933G>T on transcript NM_033026.6 (MANE Select); coding-DNA position 1933, G replaced by T.
Protein change: p.Ala645Ser; replaces alanine 645 with serine.
Molecular consequence: missense variant.
Genome position (GRCh38, 1-based): chr7:83,135,617, C>A on the plus strand (G>T on the coding strand, the complement: PCLO is on the minus strand). VCF-style: chr7-83135617-C-A. GRCh37 (hg19) VCF-style: chr7-82764933-C-A.
Other names: c.1933G>T, p.Ala645Ser (NM_014510.3); short protein forms A645S.
Identifiers: ClinVar variation 1410126 (VCV001410126.5), dbSNP rs532617646, ClinGen allele CA4321348.
Genomic context (GRCh38, chr7:83,135,617, plus strand): 5'-GTGCAGTCTTCAGTTTGGGCTGGGGTGATGACGGAACTGGAGCCAGATCCCCGCCTAGAG[C>A]TCTTTTCATTTGACAGTTCAAACAGAGCCACTCTTTTACCTACAAATAATATAAAACAAT-3'
Protein context (NP_149015.2, residues 635-655): WLCLNCQMKR[Ala645Ser]LGGDLAPVPS